The following is an entry in ClinVar:

NM_001159773.2(CANT1):c.1006G>A (p.Gly336Arg)

Gene: CANT1 (calcium activated nucleotidase 1; minus strand). Cytogenetic location: 17q25.3.
Variant type: single nucleotide variant.
Coding change: c.1006G>A on transcript NM_001159773.2 (MANE Select); coding-DNA position 1006, G replaced by A.
Protein change: p.Gly336Arg; replaces glycine 336 with arginine.
Molecular consequence: missense variant.
Genome position (GRCh38, 1-based): chr17:78,993,750, C>T on the plus strand (G>A on the coding strand, the complement: CANT1 is on the minus strand). VCF-style: chr17-78993750-C-T. GRCh37 (hg19) VCF-style: chr17-76989832-C-T.
Other names: c.1006G>A, p.Gly336Arg (NM_001159772.2, NM_138793.4); short protein forms G336R.
Identifiers: ClinVar variation 4883446 (VCV004883446.2).

ClinVar aggregate classification (germline): Uncertain significance (1 of 4 stars; one submission).

Conditions:
Desbuquois dysplasia 1 (DBQD1). Also called: MICROMELIC DWARFISM WITH VERTEBRAL AND METAPHYSEAL ABNORMALITIES AND ADVANCED CARPOTARSAL OSSIFICATION; DESBUQUOIS DYSPLASIA 1, KIM VARIANT. Identifiers: Orphanet 1425, MedGen C4012146, MONDO:0009629, OMIM 251450.

Submission:

Dasa
Classification: Uncertain significance for Desbuquois dysplasia 1. Last evaluated: 2025-11-25. Review status: criteria provided, single submitter. Criteria: DASA Assertion Criteria. Collection method: clinical testing. Allele origin: germline.
Comment: NM_001159773.2(CANT1):c.1006G>A (p.Gly336Arg) is a missense variant that results in the substitution of glycine with arginine. This variant has been observed in affected individuals with CANT1-related disorders. Also, this variant is rare in population databases. Computational prediction algorithms are consistent with a deleterious effect. The currently available literature and clinical evidence are not sufficient to establish a definitive association between this variant and the reported condition. Therefore, this variant is classified as a variant of uncertain significance.